The following is an entry in ClinVar:

ClinVar aggregate classification (germline): Likely benign (1 of 4 stars; one submission).

Allele frequency attached by ClinVar (database versions not stated): gnomAD exomes 0.00020; 1000 Genomes Project 30x 0.00172; 1000 Genomes Project 0.00200; gnomAD 0.00284; TOPMed 0.00312.
gnomAD v4.1: 655 of 1,234,276 alleles (0.053%); highest among the groups gnomAD compares: African/African-American, 0.92%; 3 homozygotes.

Submission:

CeGaT Center for Human Genetics Tuebingen
Classification: Likely benign. Last evaluated: 2022-05-01. Review status: criteria provided, single submitter. Criteria: CeGaT Center For Human Genetics Tuebingen Variant Classification Criteria Version 2. Collection method: clinical testing. Allele origin: germline. Affected: yes. Observed: 1 variant allele.
Comment: CAPN8: BP4, BP7

NM_001143962.2(CAPN8):c.1320G>A (p.Lys440=)

Gene: CAPN8 (calpain 8; minus strand). Cytogenetic location: 1q41.
Variant type: single nucleotide variant.
Coding change: c.1320G>A on transcript NM_001143962.2 (MANE Select); coding-DNA position 1320, G replaced by A.
Protein change: p.Lys440=; no amino-acid change (lysine 440 retained).
Molecular consequence: synonymous variant.
Genome position (GRCh38, 1-based): chr1:223,612,249, C>T on the plus strand (G>A on the coding strand, the complement: CAPN8 is on the minus strand). VCF-style: chr1-223612249-C-T. GRCh37 (hg19) VCF-style: chr1-223799951-C-T.
Identifiers: ClinVar variation 2639919 (VCV002639919.24), dbSNP rs552094413, ClinGen allele CA38365335.